The following is an entry in ClinVar:

ClinVar aggregate classification (germline): Conflicting classifications of pathogenicity. Review status: criteria provided, conflicting classifications (1 of 4 stars). 4 submissions from 4 submitters: Uncertain significance (3); Likely benign (1). Last evaluated 2026-02-04.

Conditions:
AFF4-related disorder. Also called: AFF4-related condition.
Cognitive impairment - coarse facies - heart defects - obesity - pulmonary involvement - short stature - skeletal dysplasia syndrome. Also called: Chops syndrome; AFF4-Related CHOPS Syndrome; COGNITIVE IMPAIRMENT, COARSE FACIES, HEART DEFECTS, OBESITY, PULMONARY INVOLVEMENT, SHORT STATURE, AND SKELETAL DYSPLASIA. Identifiers: Orphanet 444077, MedGen C4085597, MONDO:0014609, OMIM 616368.
Inborn genetic diseases. Identifiers: MedGen C0950123, MeSH D030342.

Allele frequency attached by ClinVar (database versions not stated): ExAC 0.00002; gnomAD exomes 0.00002 and 0.00001; gnomAD 0.00003 and 0.00004; ESP Exome Variant Server 0.00008; TOPMed 0.00009.
gnomAD v4.1: 27 of 1,613,940 alleles (0.0017%); highest among the groups gnomAD compares: African/African-American, 0.019%; no homozygotes.

Submissions (4):

PreventionGenetics, part of Exact Sciences
Classification: Uncertain significance for AFF4-related condition. Last evaluated: 2026-02-04. Review status: criteria provided, single submitter. Criteria: ACMG Guidelines, 2015. Collection method: clinical testing. Allele origin: germline.
Comment: The AFF4 c.2027T>G variant is predicted to result in the amino acid substitution p.Val676Gly. To our knowledge, this variant has not been reported in the literature. This variant is reported in 0.016% of alleles in individuals of African descent in gnomAD. Although we suspect that this variant may be benign, at this time, the clinical significance of this variant is uncertain due to the absence of conclusive functional and genetic evidence.

Labcorp Genetics (formerly Invitae), Labcorp
Classification: Uncertain significance for Cognitive impairment - coarse facies - heart defects - obesity - pulmonary involvement - short stature - skeletal dysplasia syndrome. Last evaluated: 2025-10-16. Review status: criteria provided, single submitter. Criteria: Invitae Variant Classification Sherloc (09022015). Collection method: clinical testing. Allele origin: germline.
Comment: This sequence change replaces valine, which is neutral and non-polar, with glycine, which is neutral and non-polar, at codon 676 of the AFF4 protein (p.Val676Gly). This variant is present in population databases (rs373239602, gnomAD 0.02%). This variant has not been reported in the literature in individuals affected with AFF4-related conditions. ClinVar contains an entry for this variant (Variation ID: 1398199). Invitae Evidence Modeling of protein sequence and biophysical properties (such as structural, functional, and spatial information, amino acid conservation, physicochemical variation, residue mobility, and thermodynamic stability) indicates that this missense variant is not expected to disrupt AFF4 protein function with a negative predictive value of 80%. In summary, the available evidence is currently insufficient to determine the role of this variant in disease. Therefore, it has been classified as a Variant of Uncertain Significance.

Ambry Genetics
Classification: Uncertain significance for Inborn genetic diseases. Last evaluated: 2024-10-21. Review status: criteria provided, single submitter. Criteria: Ambry Variant Classification Scheme 2023. Collection method: clinical testing. Allele origin: germline.

Blueprint Genetics
Classification: Likely benign. Last evaluated: 2024-03-11. Review status: criteria provided, single submitter. Criteria: ACMG Guidelines, 2015. Collection method: clinical testing. Allele origin: germline.

NM_014423.4(AFF4):c.2027T>G (p.Val676Gly)

Gene: AFF4 (ALF transcription elongation factor 4; minus strand). Cytogenetic location: 5q31.1.
Variant type: single nucleotide variant.
Coding change: c.2027T>G on transcript NM_014423.4 (MANE Select); coding-DNA position 2027, T replaced by G.
Protein change: p.Val676Gly; replaces valine 676 with glycine.
Molecular consequence: missense variant.
Genome position (GRCh38, 1-based): chr5:132,896,603, A>C on the plus strand (T>G on the coding strand, the complement: AFF4 is on the minus strand). VCF-style: chr5-132896603-A-C. GRCh37 (hg19) VCF-style: chr5-132232295-A-C.
Other names: c.2027T>G (NM_014423.3); short protein forms V676G.
Identifiers: ClinVar variation 1398199 (VCV001398199.12), dbSNP rs373239602, ClinGen allele CA3409009.